The following is an entry in ClinVar:

ClinVar aggregate classification (germline): Conflicting classifications of pathogenicity. Review status: criteria provided, conflicting classifications (1 of 4 stars). 9 submissions from 9 submitters: Pathogenic (4); Likely pathogenic (2); Uncertain significance (2). 1 of the submissions does not count toward it. Last evaluated 2026-03-26.

Conditions:
Hereditary pancreatitis (PCTT). Also called: PRSS1-Related Hereditary Pancreatitis; Hereditary chronic pancreatitis. Identifiers: Orphanet 676, MedGen C0238339, MONDO:0008185, OMIM 167800.

Allele frequency attached by ClinVar (database versions not stated): gnomAD exomes 0.00067; ExAC 0.00073; 1000 Genomes Project 30x 0.00078; 1000 Genomes Project 0.00080; TOPMed 0.00004.
gnomAD v4.1: 478 of 1,613,966 alleles (0.03%); highest among the groups gnomAD compares: South Asian, 0.49%; 7 homozygotes.

Submissions (9):

Kasturba Medical College, Manipal, Kasturba Medical College, Manipal, Manipal Academy of Higher Education, Manipal, India
Classification: Uncertain significance for Hereditary pancreatitis. Last evaluated: 2026-03-26. Review status: criteria provided, single submitter. Criteria: ACMG Guidelines, 2015. Collection method: research. Allele origin: paternal. Inheritance: Autosomal dominant inheritance. Affected: yes. Observed: 1 variant allele, 1 heterozygote.
Comment: This variant is observed in 34 individuals in heterozygous state and in an individual in homozygous state in our in-house data of 4060 exomes. This variant is observed in heterozygous state in 478 individuals and 47 individuals in homozygous state in gnomAD database (v4.1.0). In silico prediction tools (CADD_phred, REVEL) are consistent in predicting the variant to be damaging the CTRC protein function. Previously performed cell culture experiments with transfected HEK293T cells and adenovirus-transduced AR42J cells of the p.Ala73Thr variant suggest that the variant protein has normal enzymatic activity but is poorly secreted from cells, resulting in retention, degradation, and increased activation of endoplasmic reticulum stress and apoptotic cascades. Based on these experiments, p.(Ala73Thr) has been classified as a high-risk variant (Beer et al., 2013; Szmola and Sahin-Tóth, 2010).

Labcorp Genetics (formerly Invitae), Labcorp
Classification: Uncertain significance for Hereditary pancreatitis. Last evaluated: 2026-01-19. Review status: criteria provided, single submitter. Criteria: Invitae Variant Classification Sherloc (09022015). Collection method: clinical testing. Allele origin: germline.
Comment: This sequence change replaces alanine, which is neutral and non-polar, with threonine, which is neutral and polar, at codon 73 of the CTRC protein (p.Ala73Thr). This variant is present in population databases (rs515726209, gnomAD 0.5%), and has an allele count higher than expected for a pathogenic variant. This missense change has been observed in individual(s) with chronic pancreatitis (PMID: 18059268, 18172691, 22580415, 25569187). ClinVar contains an entry for this variant (Variation ID: 132149). Invitae Evidence Modeling of protein sequence and biophysical properties (such as structural, functional, and spatial information, amino acid conservation, physicochemical variation, residue mobility, and thermodynamic stability) indicates that this missense variant is expected to disrupt CTRC protein function with a positive predictive value of 95%. Experimental studies have shown that this missense change affects CTRC function (PMID: 18059268, 22942235, 26022124). In summary, the available evidence is currently insufficient to determine the role of this variant in disease. Therefore, it has been classified as a Variant of Uncertain Significance.

Ambry Genetics
Classification: Likely pathogenic for Hereditary pancreatitis. Last evaluated: 2024-10-08. Review status: criteria provided, single submitter. Criteria: Ambry Variant Classification Scheme 2023. Collection method: clinical testing. Allele origin: germline.
Comment: The p.A73T variant (also known as c.217G>A), located in coding exon 3 of the CTRC gene, results from a G to A substitution at nucleotide position 217. The alanine at codon 73 is replaced by threonine, an amino acid with similar properties. In one study, this variant was identified in 5/71 individuals with tropical pancreatitis and 0/84 healthy controls; expression of this variant in HEK293T cells showed diminished secretion relative to wild type (Rosendahl J et al. Nat. Genet., 2008 Jan;40:78-82). In another study, this variant was associated with a significant odds ratio (OR 8.2, CI 2.5-27.5) for pancreatitis in the Indian population. In addition, functional studies in HEK293T cells demonstrated a defect in secretion of protein bearing this alteration, a small decrease in catalytic efficiency, and that the protein was resistant to degradation (Beer S et al. Gut, 2013 Nov;62:1616-24). This amino acid position is highly conserved in available vertebrate species. In addition, this alteration is predicted to be deleterious by in silico analysis. Based on the majority of available evidence to date, this variant is likely to be pathogenic.

Department of Human Genetics, Hannover Medical School
Classification: Pathogenic for Hereditary pancreatitis. Last evaluated: 2024-06-20. Review status: criteria provided, single submitter. Criteria: ACMG Guidelines, 2015. Collection method: clinical testing. Allele origin: germline. Affected: yes.

ARUP Laboratories, Molecular Genetics and Genomics, ARUP Laboratories
Classification: Pathogenic for Hereditary pancreatitis. Last evaluated: 2024-05-06. Review status: criteria provided, single submitter. Criteria: ARUP Molecular Germline Variant Investigation Process 2024. Collection method: clinical testing. Allele origin: germline.
Comment: The CTRC c.217G>A; p.Ala73Thr variant (rs515726209) is reported in the literature in multiple individuals affected with chronic pancreatitis (Beer 2013, LaRusch 2015, Masson 2008, Paliwal 2013, Rosendahl 2008). While this variant has also been observed in healthy controls, case-control studies reproducibly demonstrate enrichment in affected individuals with odds ratios >8.0 (Beer 2013, Paliwal 2013, Rosendahl 2008). This variant is found in the South Asian population with an overall allele frequency of 0.53% (163/30556 alleles, including one homozygote) in the Genome Aggregation Database; however, most affected individuals with this variant are reported to be of South Asian descent (Beer 2013, Paliwal 2013, Rosendahl 2008). Functional studies of the p.Ala73Thr variant suggest that the variant protein has normal enzymatic activity but is poorly secreted from cells, resulting in retention, degradation, and increased activation of endoplasmic reticulum stress and apoptotic cascades (Beer 2013, Rosendahl 2008, Szmola 2010). Based on available information, this variant is considered to be pathogenic. References: Beer S et al. Comprehensive functional analysis of chymotrypsin C (CTRC) variants reveals distinct loss-of-function mechanisms associated with pancreatitis risk. Gut. 2013 Nov;62(11):1616-24. PMID: 22942235. LaRusch J et al. The Common Chymotrypsinogen C (CTRC) Variant G60G (C.180T) Increases Risk of Chronic Pancreatitis But Not Recurrent Acute Pancreatitis in a North American Population. Clin Transl Gastroenterol. 2015 Jan 8;6:e68. PMID: 25569187. Masson E et al. Association of rare chymotrypsinogen C (CTRC) gene variations in patients with idiopathic chronic pancreatitis. Hum Genet. 2008 Feb;123(1):83-91. PMID: 18172691. Paliwal S et al. Comprehensive screening of chymotrypsin C (CTRC) gene in tropical calcific pancreatitis identifies novel variants. Gut. 2013 Nov;62(11):1602-6. PMID: 22580415. Rosendahl J et al. Chymotrypsin C (CTRC) variants that diminish activity or secretion are associated with chronic pancreatitis. Nat Genet. 2008 Jan;40(1):78-82. PMID: 18059268. Szmola R and Sahin-Toth M. Pancreatitis-associated chymotrypsinogen C (CTRC) mutant elicits endoplasmic reticulum stress in pancreatic acinar cells. Gut. 2010 Mar;59(3):365-72. PMID: 19951900.

Fulgent Genetics
Classification: Likely pathogenic for Hereditary pancreatitis. Last evaluated: 2024-04-16. Review status: criteria provided, single submitter. Criteria: ACMG Guidelines, 2015. Collection method: clinical testing. Allele origin: germline.

Neuberg Centre For Genomic Medicine, NCGM
Classification: Pathogenic for Hereditary pancreatitis. Last evaluated: 2023-05-20. Review status: criteria provided, single submitter. Criteria: ACMG Guidelines, 2015. Collection method: clinical testing. Allele origin: germline. Inheritance: Autosomal dominant inheritance. Affected: yes.
Comment: The observed missense c.217G>A(p.Ala73Thr) variant in CTRC gene has been reported previously in multiple individuals affected with pancreatitis (Beer S, et al., 2013; Paliwal S, et al., 2013; Rosendahl J, et al., 2008). Functional studies demonstrate that this variant poorly secretes from cells, resulting in retention, degradation, and increased activation of endoplasmic reticulum stress and apoptotic cascades, suggesting a deleterious effect (Binker MG, et al., 2015; Szmola R & Sahin-Tóth M., 2010). The p.Ala73Thr variant has been reported with allele frequency of 0.05% in gnomAD Exomes. This variant has been submitted to the ClinVar database as Uncertain Significance / Likely Pathogenic / Pathogenic. Multiple lines of computational evidences (Polyphen - Probably damaging, SIFT - Damaging and MutationTaster - Disease causing) predict a damaging effect on protein structure and function for this variant. The reference amino acid is predicted as conserved by GERP++ and PhyloP across 100 vertebrates. The amino acid Ala at position 73 is changed to a Thr changing protein sequence and it might alter its composition and physico-chemical properties. For these reasons, this variant has been classified as Pathogenic.

Mendelics
Classification: Pathogenic for Hereditary pancreatitis. Last evaluated: 2022-05-04. Review status: criteria provided, single submitter. Criteria: Mendelics Assertion Criteria 2019. Collection method: clinical testing. Allele origin: germline.

GeneReviews
Classification: Pathogenic for Hereditary pancreatitis. Last evaluated: 2014-03-13. Review status: no assertion criteria provided. Collection method: literature only. Allele origin: germline. Affected: yes. Not counted in ClinVar's aggregate classification.

Literature cited by the submitters: PubMed 22942235 (cited by 3 submitters); PubMed 19951900 (cited by Kasturba Medical College, Manipal, Kasturba Medical College, Manipal, Manipal Academy of Higher Education, Manipal, India and Ambry Genetics); PubMed 18059268 (cited by Labcorp Genetics (formerly Invitae), Labcorp and Ambry Genetics); PubMed 18172691 (cited by 3 submitters); PubMed 22580415 (cited by Labcorp Genetics (formerly Invitae), Labcorp and Ambry Genetics); PubMed 25569187 (cited by Labcorp Genetics (formerly Invitae), Labcorp and Ambry Genetics); PubMed 26022124 (cited by Labcorp Genetics (formerly Invitae), Labcorp); PubMed 19404200 (cited by Ambry Genetics); PubMed 23951356 (cited by Ambry Genetics); PubMed 24002981 (cited by Ambry Genetics).

NM_007272.3(CTRC):c.217G>A (p.Ala73Thr)

Gene: CTRC (chymotrypsin C; plus strand). Cytogenetic location: 1p36.21.
Variant type: single nucleotide variant.
Coding change: c.217G>A on transcript NM_007272.3 (MANE Select); coding-DNA position 217, G replaced by A.
Protein change: p.Ala73Thr; replaces alanine 73 with threonine.
Molecular consequence: missense variant.
Genome position (GRCh38, 1-based): chr1:15,440,577, G>A. VCF-style: chr1-15440577-G-A. GRCh37 (hg19) VCF-style: chr1-15767073-G-A.
Other names: short protein forms A73T.
Identifiers: ClinVar variation 132149 (VCV000132149.29), dbSNP rs515726209, ClinGen allele CA345647.